The following is an entry in ClinVar:

ClinVar aggregate classification (germline): Conflicting classifications of pathogenicity. Review status: criteria provided, conflicting classifications (1 of 4 stars). 3 submissions from 3 submitters: Uncertain significance (2); Likely benign (1). Last evaluated 2025-12-04.

Allele frequency attached by ClinVar (database versions not stated): 1000 Genomes Project 30x 0.00031; ExAC 0.00004; ESP Exome Variant Server 0.00008; TOPMed 0.00017; gnomAD 0.00018 and 0.00019; 1000 Genomes Project 0.00040; gnomAD exomes 0.00006.

Submissions (3):

GeneDx
Classification: Uncertain significance. Last evaluated: 2025-12-04. Review status: criteria provided, single submitter. Criteria: GeneDx Variant Classification Process June 2021. Collection method: clinical testing. Allele origin: germline.
Comment: In silico analysis suggests that this variant does not alter splicing; Has not been previously published as pathogenic or benign to our knowledge

Labcorp Genetics (formerly Invitae), Labcorp
Classification: Likely benign. Last evaluated: 2024-08-01. Review status: criteria provided, single submitter. Criteria: Invitae Variant Classification Sherloc (09022015). Collection method: clinical testing. Allele origin: germline.

Eurofins Ntd Llc (ga)
Classification: Uncertain significance. Last evaluated: 2017-12-21. Review status: criteria provided, single submitter. Criteria: EGL Classification Definitions 2015. Collection method: clinical testing. Allele origin: germline. Observed: 1 variant allele, 1 heterozygote.

NM_004817.4(TJP2):c.3150G>A (p.Leu1050=)

Gene: TJP2 (tight junction protein 2; plus strand). Cytogenetic location: 9q21.11.
Variant type: single nucleotide variant.
Coding change: c.3150G>A on transcript NM_004817.4 (MANE Select); coding-DNA position 3150, G replaced by A.
Protein change: p.Leu1050=; no amino-acid change (leucine 1050 retained).
Molecular consequence: synonymous variant. On other transcripts: intron variant (3).
Genome position (GRCh38, 1-based): chr9:69,251,193, G>A. VCF-style: chr9-69251193-G-A. GRCh37 (hg19) VCF-style: chr9-71866109-G-A.
Other names: c.3051G>A, p.Leu1017= (NM_001170415.1); c.3243G>A, p.Leu1081= (NM_001170416.2); c.3075G>A, p.Leu1025= (NM_001369870.1); c.3081G>A, p.Leu1027= (NM_001369871.1); c.3039G>A, p.Leu1013= (NM_001369872.1); c.2826G>A, p.Leu942= (NM_001369873.1); c.3162G>A, p.Leu1054= (NM_001369875.1); c.2812-1622G>A (NM_001170414.2); and 3 more.
Identifiers: ClinVar variation 595483 (VCV000595483.14), dbSNP rs141675065, ClinGen allele CA5073894.